The following is an entry in ClinVar:

NM_000553.6(WRN):c.1628A>G (p.Tyr543Cys)

Gene: WRN (WRN RecQ like helicase; plus strand). Cytogenetic location: 8p12.
Variant type: single nucleotide variant.
Coding change: c.1628A>G on transcript NM_000553.6 (MANE Select); coding-DNA position 1628, A replaced by G.
Protein change: p.Tyr543Cys; replaces tyrosine 543 with cysteine.
Molecular consequence: missense variant.
Genome position (GRCh38, 1-based): chr8:31,088,941, A>G. VCF-style: chr8-31088941-A-G. GRCh37 (hg19) VCF-style: chr8-30946457-A-G.
Other names: short protein forms Y543C.
Identifiers: ClinVar variation 1020799 (VCV001020799.3), dbSNP rs151001436, ClinGen allele CA370926421.

ClinVar aggregate classification (germline): Uncertain significance (1 of 4 stars; one submission).

Conditions:
Werner syndrome (WRN). Identifiers: Orphanet 902, MedGen C0043119, MONDO:0010196, OMIM 277700.

gnomAD v4.1: 1 of 1,611,442 alleles (0.000062%); highest among the groups gnomAD compares: Non-Finnish European, 0.000085%; no homozygotes.

Submission:

Labcorp Genetics (formerly Invitae), Labcorp
Classification: Uncertain significance for Werner syndrome. Last evaluated: 2021-05-04. Review status: criteria provided, single submitter. Criteria: Invitae Variant Classification Sherloc (09022015). Collection method: clinical testing. Allele origin: germline.
Comment: This variant has not been reported in the literature in individuals with WRN-related conditions. This sequence change replaces tyrosine with cysteine at codon 543 of the WRN protein (p.Tyr543Cys). The tyrosine residue is moderately conserved and there is a large physicochemical difference between tyrosine and cysteine. This variant is not present in population databases (ExAC no frequency). Algorithms developed to predict the effect of missense changes on protein structure and function are either unavailable or do not agree on the potential impact of this missense change (SIFT: "Not Available"; PolyPhen-2: "Probably Damaging"; Align-GVGD: "Not Available"). In summary, the available evidence is currently insufficient to determine the role of this variant in disease. Therefore, it has been classified as a Variant of Uncertain Significance.